The following is an entry in ClinVar:

NM_017763.6(RNF43):c.336T>C (p.Pro112=)

Gene: RNF43 (ring finger protein 43; minus strand). Cytogenetic location: 17q22.
Variant type: single nucleotide variant.
Coding change: c.336T>C on transcript NM_017763.6 (MANE Select); coding-DNA position 336, T replaced by C.
Protein change: p.Pro112=; no amino-acid change (proline 112 retained).
Molecular consequence: synonymous variant.
Genome position (GRCh38, 1-based): chr17:58,370,950, A>G on the plus strand (T>C on the coding strand, the complement: RNF43 is on the minus strand). VCF-style: chr17-58370950-A-G. GRCh37 (hg19) VCF-style: chr17-56448311-A-G.
Other names: c.336T>C, p.Pro112= (NM_001305544.3); c.-46T>C (NM_001305545.2).
Identifiers: ClinVar variation 3946871 (VCV003946871.2).

ClinVar aggregate classification (germline): Benign/Likely benign. Review status: criteria provided, multiple submitters, no conflicts (2 of 4 stars). 2 submissions from 2 submitters: Benign (1); Likely benign (1). Last evaluated 2026-06-29.

Conditions:
Sessile serrated polyposis cancer syndrome (SSPCS). Identifiers: Orphanet 157798, MedGen C4310714, MONDO:0014919, OMIM 617108.

Submissions (2):

Myriad Genetics, Inc.
Classification: Benign for Sessile serrated polyposis cancer syndrome. Last evaluated: 2026-06-29. Review status: criteria provided, single submitter. Criteria: Myriad Autosomal Dominant, Autosomal Recessive and X-Linked Classification Criteria (2023). Collection method: clinical testing. Allele origin: unknown.
Comment: This variant is considered benign. This variant is a silent/synonymous amino acid change and it is not expected to impact splicing.

Ambry Genetics
Classification: Likely benign. Last evaluated: 2025-04-25. Review status: criteria provided, single submitter. Criteria: Ambry Variant Classification Scheme 2023. Collection method: clinical testing. Allele origin: germline.